The following is an entry in ClinVar:

NM_032444.4(SLX4):c.5264C>T (p.Ala1755Val)

Gene: SLX4 (SLX4 structure-specific endonuclease subunit; minus strand). Cytogenetic location: 16p13.3.
Variant type: single nucleotide variant.
Coding change: c.5264C>T on transcript NM_032444.4 (MANE Select); coding-DNA position 5264, C replaced by T.
Protein change: p.Ala1755Val; replaces alanine 1755 with valine.
Molecular consequence: missense variant.
Genome position (GRCh38, 1-based): chr16:3,582,583, G>A on the plus strand (C>T on the coding strand, the complement: SLX4 is on the minus strand). VCF-style: chr16-3582583-G-A. GRCh37 (hg19) VCF-style: chr16-3632584-G-A.
Other names: c.5264C>T (LRG_503t1); short protein forms A1755V.
Identifiers: ClinVar variation 436788 (VCV000436788.14), dbSNP rs372921011, ClinGen allele CA7865353.

ClinVar aggregate classification (germline): Uncertain significance. Review status: criteria provided, multiple submitters, no conflicts (2 of 4 stars). 5 submissions from 5 submitters: Uncertain significance (5). Last evaluated 2026-03-24.

Conditions:
Fanconi anemia complementation group P. Also called: SLX4-Related Fanconi Anemia. Identifiers: Orphanet 84, MedGen C3469542, MONDO:0013499, OMIM 613951.
Fanconi anemia (FA). Also called: Fanconi's anemia. Identifiers: Orphanet 84, MedGen C0015625, MeSH D005199, MONDO:0019391.

Allele frequency attached by ClinVar (database versions not stated): ExAC 0.00007; gnomAD 0.00017 and 0.00019; TOPMed 0.00019; ESP Exome Variant Server 0.00023.

Submissions (5):

GeneDx
Classification: Uncertain significance. Last evaluated: 2026-03-24. Review status: criteria provided, single submitter. Criteria: GeneDx Variant Classification Process June 2021. Collection method: clinical testing. Allele origin: germline.
Comment: In silico analysis supports that this missense variant has a deleterious effect on protein structure/function; Has not been previously published as pathogenic or benign to our knowledge

Labcorp Genetics (formerly Invitae), Labcorp
Classification: Uncertain significance for Fanconi anemia. Last evaluated: 2024-12-09. Review status: criteria provided, single submitter. Criteria: Invitae Variant Classification Sherloc (09022015). Collection method: clinical testing. Allele origin: germline.
Comment: This sequence change replaces alanine, which is neutral and non-polar, with valine, which is neutral and non-polar, at codon 1755 of the SLX4 protein (p.Ala1755Val). This variant is present in population databases (rs372921011, gnomAD 0.06%). This variant has not been reported in the literature in individuals affected with SLX4-related conditions. ClinVar contains an entry for this variant (Variation ID: 436788). An algorithm developed to predict the effect of missense changes on protein structure and function (PolyPhen-2) suggests that this variant is likely to be disruptive. In summary, the available evidence is currently insufficient to determine the role of this variant in disease. Therefore, it has been classified as a Variant of Uncertain Significance.

Fulgent Genetics
Classification: Uncertain significance for Fanconi anemia complementation group P. Last evaluated: 2024-02-09. Review status: criteria provided, single submitter. Criteria: ACMG Guidelines, 2015. Collection method: clinical testing. Allele origin: germline.

Baylor Genetics
Classification: Uncertain significance for Fanconi anemia complementation group P. Last evaluated: 2020-11-20. Review status: criteria provided, single submitter. Criteria: ACMG Guidelines, 2015. Collection method: clinical testing. Allele origin: unknown. Affected: yes.
Comment: This variant was determined to be of uncertain significance according to ACMG Guidelines, 2015 [PMID:25741868].

Genetic Services Laboratory, University of Chicago
Classification: Uncertain significance. Last evaluated: 2017-02-13. Review status: criteria provided, single submitter. Criteria: ACMG Guidelines, 2015. Collection method: clinical testing. Allele origin: germline. Affected: no.